The following is an entry in ClinVar:

ClinVar aggregate classification (germline): Conflicting classifications of pathogenicity. Review status: criteria provided, conflicting classifications (1 of 4 stars). 5 submissions from 5 submitters: Uncertain significance (3); Likely benign (2). Last evaluated 2025-12-15.

Conditions:
Cardiovascular phenotype. Identifiers: MedGen CN230736.
Primary dilated cardiomyopathy (DCM). Also called: Dilated Cardiomyopathy. Identifiers: Orphanet 217604, MedGen C0007193, MeSH D002311, MONDO:0005021, HP:0001644. Inheritance: Various modes of inheritance.

Allele frequency attached by ClinVar (database versions not stated): TOPMed 0.00023; gnomAD exomes 0.00025 and 0.00051; gnomAD 0.00021; ExAC 0.00023; ESP Exome Variant Server 0.00046.
gnomAD v4.1: 770 of 1,613,102 alleles (0.048%); highest among the groups gnomAD compares: Non-Finnish European, 0.062%; no homozygotes.

Submissions (5):

Labcorp Genetics (formerly Invitae), Labcorp
Classification: Likely benign for Primary dilated cardiomyopathy. Last evaluated: 2025-12-15. Review status: criteria provided, single submitter. Criteria: Invitae Variant Classification Sherloc (09022015). Collection method: clinical testing. Allele origin: germline.

GeneDx
Classification: Uncertain significance. Last evaluated: 2024-06-21. Review status: criteria provided, single submitter. Criteria: GeneDx Variant Classification Process June 2021. Collection method: clinical testing. Allele origin: germline. Affected: yes.
Comment: In silico analysis supports a deleterious effect on splicing; Has not been previously published as pathogenic or benign to our knowledge; Variants in candidate genes are classified as variants of uncertain significance in accordance with ACMG guidelines (PMID: 25741868)

Laboratory for Molecular Medicine, Mass General Brigham Personalized Medicine
Classification: Likely benign. Last evaluated: 2015-06-30. Review status: criteria provided, single submitter. Criteria: LMM Criteria. Collection method: clinical testing. Allele origin: germline. Observed: 2 variant alleles.
Comment: c.82-4A>G in intron 1 of NEBL: This variant is not expected to have clinical sig nificance because it is not located within the splice consensus sequence. It ha s been identified in 25/66724 European chromosomes by the Exome Aggregation Con sortium (ExAC; dbSNP rs368268112).

Stanford Center for Inherited Cardiovascular Disease, Stanford University
Classification: Uncertain significance. Last evaluated: 2014-07-09. Review status: criteria provided, single submitter. Criteria: ACMG Guidelines, 2015. Collection method: provider interpretation. Allele origin: germline.

Ambry Genetics
Classification: Uncertain significance for Cardiovascular phenotype. Last evaluated: 2013-11-14. Review status: criteria provided, single submitter. Criteria: Ambry Autosomal Dominant and X-Linked criteria (10/2015). Collection method: clinical testing. Allele origin: germline. Observed: 1 variant allele.
Comment: The c.82-4A>G variant is located in the NEBL gene. This alteration results from an A to G substitution 4 nucleotides before coding exon 2. Ã¢â‚¬â€¹Based on data from the NHLBI Exome Sequencing Project (ESP), the G-allele has an overall frequency of approximately 0.05% (6/13006),havingnot been observed in 4406 of African American alleles, but observed in 0.07% (6/8600) of European American alleles. This variant was not found in the following population databases: dbSNP database or the 1000 Genomes Project.This nucleotide position is poorly conserved in available vertebrate species.Using the BDGP and ESEfinder splice site prediction tools, this alteration does not have any significant effect on the native acceptor splice site; however, direct evidence is unavailable.Since supporting evidence is limited at this time, the clinical significance ofc.82-4A>Gremains unclear.

NM_006393.3(NEBL):c.82-4A>G

Gene: NEBL (nebulette; minus strand). Cytogenetic location: 10p12.31.
Variant type: single nucleotide variant.
Coding change: c.82-4A>G on transcript NM_006393.3 (MANE Select); 4 bases into the intron before coding-DNA position 82, A replaced by G.
Molecular consequence: intron variant.
Genome position (GRCh38, 1-based): chr10:20,897,033, T>C on the plus strand (A>G on the coding strand, the complement: NEBL is on the minus strand). VCF-style: chr10-20897033-T-C. GRCh37 (hg19) VCF-style: chr10-21185962-T-C.
Other names: c.249+64639A>G (NM_001377326.1, NM_001377327.1, NM_001377328.1); c.357+64639A>G (NM_213569.2, NM_001173484.2, NM_001377322.1); c.300+64639A>G (NM_001377324.1); c.291+64639A>G (NM_001377325.1); c.309+64639A>G (NM_001377323.1).
Identifiers: ClinVar variation 164771 (VCV000164771.22), dbSNP rs368268112, ClinGen allele CA177467.